The following is an entry in ClinVar:

ClinVar aggregate classification (germline): Uncertain significance. Review status: criteria provided, multiple submitters, no conflicts (2 of 4 stars). 2 submissions from 2 submitters: Uncertain significance (2). Last evaluated 2024-08-01.

Conditions:
Inborn genetic diseases. Identifiers: MedGen C0950123, MeSH D030342.

Allele frequency attached by ClinVar (database versions not stated): ExAC 0.00002; gnomAD 0.00002; gnomAD exomes 0.00002; TOPMed 0.00002.
gnomAD v4.1: 31 of 1,614,046 alleles (0.0019%); highest among the groups gnomAD compares: Non-Finnish European, 0.0025%; no homozygotes.

Submissions (2):

CeGaT Center for Human Genetics Tuebingen
Classification: Uncertain significance. Last evaluated: 2024-08-01. Review status: criteria provided, single submitter. Criteria: CeGaT Center For Human Genetics Tuebingen Variant Classification Criteria Version 2. Collection method: clinical testing. Allele origin: germline. Affected: yes. Observed: 1 variant allele.
Comment: LAMA1: PM2, BP4

Ambry Genetics
Classification: Uncertain significance for Inborn genetic diseases. Last evaluated: 2023-08-22. Review status: criteria provided, single submitter. Criteria: Ambry Variant Classification Scheme 2023. Collection method: clinical testing. Allele origin: germline.

NM_005559.4(LAMA1):c.7090A>G (p.Lys2364Glu)

Gene: LAMA1 (laminin subunit alpha 1; minus strand). Cytogenetic location: 18p11.31.
Variant type: single nucleotide variant.
Coding change: c.7090A>G on transcript NM_005559.4 (MANE Select); coding-DNA position 7090, A replaced by G.
Protein change: p.Lys2364Glu; replaces lysine 2364 with glutamic acid.
Molecular consequence: missense variant.
Genome position (GRCh38, 1-based): chr18:6,965,393, T>C on the plus strand (A>G on the coding strand, the complement: LAMA1 is on the minus strand). VCF-style: chr18-6965393-T-C. GRCh37 (hg19) VCF-style: chr18-6965392-T-C.
Other names: short protein forms K2364E.
Identifiers: ClinVar variation 2620832 (VCV002620832.18), dbSNP rs199509318, ClinGen allele CA8881015.